The following is an entry in ClinVar:

ClinVar aggregate classification (germline): Likely benign (1 of 4 stars; one submission).

Conditions:
Arrhythmogenic cardiomyopathy with wooly hair and keratoderma. Also called: Carvajal syndrome; PALMOPLANTAR KERATODERMA WITH LEFT VENTRICULAR CARDIOMYOPATHY AND WOOLLY HAIR; Dilated cardiomyopathy with woolly hair and keratoderma; Arrhythmogenic cardiomyopathy with woolly hair and keratoderma. Identifiers: Orphanet 65282, MedGen C1854063, MONDO:0011581, OMIM 605676.

Submission:

All of Us Research Program, National Institutes of Health
Classification: Likely benign for Arrhythmogenic cardiomyopathy with wooly hair and keratoderma. Last evaluated: 2023-05-31. Review status: criteria provided, single submitter. Criteria: ACMG Guidelines, 2015. Collection method: clinical testing. Allele origin: germline. Inheritance: Autosomal dominant inheritance. Observed: 2 variant alleles, 2 heterozygotes.
Comment: This study involves interpretation of variants in research participants for the purpose of population health screening. Participant phenotype was not available at the time of variant classification. Additional details can be found in publication PMID: 35346344, PMCID: PMC8962531

NM_004415.4(DSP):c.2028C>T (p.Arg676=)

Gene: DSP (desmoplakin; plus strand). Cytogenetic location: 6p24.3.
Variant type: single nucleotide variant.
Coding change: c.2028C>T on transcript NM_004415.4 (MANE Select); coding-DNA position 2028, C replaced by T.
Protein change: p.Arg676=; no amino-acid change (arginine 676 retained).
Molecular consequence: synonymous variant.
Genome position (GRCh38, 1-based): chr6:7,571,966, C>T. VCF-style: chr6-7571966-C-T. GRCh37 (hg19) VCF-style: chr6-7572199-C-T.
Other names: c.2028C>T, p.Arg676= (NM_001008844.3, NM_001319034.2).
Identifiers: ClinVar variation 3069767 (VCV003069767.1), dbSNP rs2533896874, ClinGen allele CA448525378.